The following is an entry in ClinVar:

ClinVar aggregate classification (germline): Likely benign. Review status: criteria provided, single submitter (1 of 4 stars). 2 submissions from 2 submitters: Likely benign (1). 1 of the submissions does not count toward it. Last evaluated 2025-11-22.

Conditions:
Familial cold autoinflammatory syndrome 2 (FCAS2). Identifiers: Orphanet 247868, MedGen C2673198, MONDO:0012724, OMIM 611762.
NLRP12-related disorder. Also called: NLRP12-related conditions; NLRP12-related condition.

Allele frequency attached by ClinVar (database versions not stated): gnomAD exomes 0.00007; ExAC 0.00008; 1000 Genomes Project 30x 0.00016; gnomAD 0.00029 and 0.00032; TOPMed 0.00037; ESP Exome Variant Server 0.00046.
gnomAD v4.1: 85 of 1,614,032 alleles (0.0053%); highest among the groups gnomAD compares: African/African-American, 0.093%; no homozygotes.

Submissions (2):

Labcorp Genetics (formerly Invitae), Labcorp
Classification: Likely benign for Familial cold autoinflammatory syndrome 2. Last evaluated: 2025-11-22. Review status: criteria provided, single submitter. Criteria: Invitae Variant Classification Sherloc (09022015). Collection method: clinical testing. Allele origin: germline.

PreventionGenetics, part of Exact Sciences
Classification: Likely benign for NLRP12-related condition. Last evaluated: 2023-10-18. Review status: no assertion criteria provided. Collection method: clinical testing. Allele origin: germline. Not counted in ClinVar's aggregate classification.
Comment: This variant is classified as likely benign based on ACMG/AMP sequence variant interpretation guidelines (Richards et al. 2015 PMID: 25741868, with internal and published modifications).

NM_144687.4(NLRP12):c.412C>T (p.Arg138Trp)

Gene: NLRP12 (NLR family pyrin domain containing 12; minus strand). Cytogenetic location: 19q13.42.
Variant type: single nucleotide variant.
Coding change: c.412C>T on transcript NM_144687.4 (MANE Select); coding-DNA position 412, C replaced by T.
Protein change: p.Arg138Trp; replaces arginine 138 with tryptophan.
Molecular consequence: missense variant.
Genome position (GRCh38, 1-based): chr19:53,811,247, G>A on the plus strand (C>T on the coding strand, the complement: NLRP12 is on the minus strand). VCF-style: chr19-53811247-G-A. GRCh37 (hg19) VCF-style: chr19-54314501-G-A.
Other names: c.412C>T, p.Arg138Trp (NM_001277126.2, NM_001277129.1); short protein forms R138W.
Identifiers: ClinVar variation 536933 (VCV000536933.14), dbSNP rs142971951, ClinGen allele CA9639719.